The following is an entry in ClinVar:

ClinVar aggregate classification (germline): Pathogenic (1 of 4 stars; one submission).

Conditions:
Supravalvar aortic stenosis (SVAS). Also called: Supravalvar aortic stenosis, Eisenberg type. Identifiers: Orphanet 3193, MedGen C0003499, MONDO:0008504, OMIM 185500, HP:0004381.

Submission:

Laboratory for Molecular Medicine, Mass General Brigham Personalized Medicine
Classification: Pathogenic for Supravalvular aortic stenosis. Last evaluated: 2016-11-23. Review status: criteria provided, single submitter. Criteria: LMM Criteria. Collection method: clinical testing. Allele origin: germline. Inheritance: Autosomal dominant inheritance. Observed: 3 variant alleles.
Comment: It was absent from large pop ulation studies. This variant is predicted to alter the protein?s amino acid seq uence beginning at position 146 and lead to a premature termination codon 37 ami no acids downstream. This alteration is then predicted to lead to a truncated or absent protein. Pathogenic truncating variant in the ELN gene are common in ind ividuals with SVAS (Human Gene Mutation Database, HGMD and LMM, unpublished data ). In summary, this variant meets our criteria to be classified as pathogenic fo r SVAS in an autosomal dominant manner based upon absence from controls and the predicted impact to the protein.

NM_000501.4(ELN):c.435del (p.Leu146fs)

Gene: ELN (elastin; plus strand). Cytogenetic location: 7q11.23.
Variant type: Deletion.
Coding change: c.435del on transcript NM_000501.4 (MANE Select); coding-DNA position 435, one base deleted (G; older notation c.435delG).
Protein change: p.Leu146fs; shifts the reading frame from leucine 146.
Molecular consequence: frameshift variant.
Genome position (GRCh38, 1-based): chr7:74,043,886, G deleted; the last of 4 consecutive G bases (chr7:74,043,883-74,043,886); deleting any one gives the same sequence. VCF-style (leftmost placement, unchanged base first): chr7-74043882-TG-T. GRCh37 (hg19) VCF-style: chr7-73458212-TG-T.
Other names: c.405del, p.Leu136fs (NM_001081752.3, NM_001278917.2, NM_001278918.2); c.450del, p.Leu151fs (NM_001081753.3, NM_001081754.3); c.435del, p.Leu146fs (NM_001081755.3, NM_001278912.2, NM_001278915.2 and 2 more transcripts); c.399del, p.Leu134fs (NM_001278913.2); c.420del, p.Leu141fs (NM_001278914.2); short protein forms L134fs, L141fs, L151fs, L136fs, L146fs.
Identifiers: ClinVar variation 163383 (VCV000163383.4), dbSNP rs727503024, ClinGen allele CA281469.